The following is an entry in ClinVar:

ClinVar aggregate classification (germline): Uncertain significance (1 of 4 stars; one submission).

Conditions:
Hereditary breast ovarian cancer syndrome. Also called: Hereditary breast and ovarian cancer; Hereditary breast and ovarian cancer syndrome; Breast and ovarian cancer; BRCA1- and BRCA2-Associated Hereditary Breast and Ovarian Cancer; Hereditary breast and/or ovarian cancer syndrome; Hereditary breast and ovarian cancer syndrome (HBOC). Identifiers: Orphanet 145, MedGen C0677776, MeSH D061325, MONDO:0003582. Disease mechanism: loss of function.

Submission:

Labcorp Genetics (formerly Invitae), Labcorp
Classification: Uncertain significance for Hereditary breast ovarian cancer syndrome. Last evaluated: 2022-08-09. Review status: criteria provided, single submitter. Criteria: Invitae Variant Classification Sherloc (09022015). Collection method: clinical testing. Allele origin: germline.
Comment: This variant is not present in population databases (gnomAD no frequency). This sequence change replaces histidine, which is basic and polar, with leucine, which is neutral and non-polar, at codon 2323 of the BRCA2 protein (p.His2323Leu). This variant has not been reported in the literature in individuals affected with BRCA2-related conditions. Advanced modeling of protein sequence and biophysical properties (such as structural, functional, and spatial information, amino acid conservation, physicochemical variation, residue mobility, and thermodynamic stability) performed at Invitae indicates that this missense variant is not expected to disrupt BRCA2 protein function. In summary, the available evidence is currently insufficient to determine the role of this variant in disease. Therefore, it has been classified as a Variant of Uncertain Significance.

NM_000059.4(BRCA2):c.6968A>T (p.His2323Leu)

Gene: BRCA2 (BRCA2 DNA repair associated; plus strand). Cytogenetic location: 13q13.1.
Variant type: single nucleotide variant.
Coding change: c.6968A>T on transcript NM_000059.4 (MANE Select); coding-DNA position 6968, A replaced by T.
Protein change: p.His2323Leu; replaces histidine 2323 with leucine.
Molecular consequence: missense variant.
Genome position (GRCh38, 1-based): chr13:32,346,857, A>T. VCF-style: chr13-32346857-A-T. GRCh37 (hg19) VCF-style: chr13-32920994-A-T.
Other names: c.6872A>T, p.His2291Leu (NM_001406719.1); c.6968A>T, p.His2323Leu (NM_001406720.1); c.2036A>T, p.His679Leu (NM_001406721.1); c.551A>T, p.His184Leu (NM_001406722.1); short protein forms H2323L, H679L, H184L, H2291L.
Identifiers: ClinVar variation 2100375 (VCV002100375.4), dbSNP rs2137541507, ClinGen allele CA387793042.